The following is an entry in ClinVar:

NM_032119.4(ADGRV1):c.15820T>C (p.Leu5274=)

Gene: ADGRV1 (adhesion G protein-coupled receptor V1; plus strand). Cytogenetic location: 5q14.3.
Variant type: single nucleotide variant.
Coding change: c.15820T>C on transcript NM_032119.4 (MANE Select); coding-DNA position 15820, T replaced by C.
Protein change: p.Leu5274=; no amino-acid change (leucine 5274 retained).
Molecular consequence: synonymous variant. On other transcripts: non-coding transcript variant (1).
Genome position (GRCh38, 1-based): chr5:90,811,080, T>C. VCF-style: chr5-90811080-T-C. GRCh37 (hg19) VCF-style: chr5-90106897-T-C.
Identifiers: ClinVar variation 3389375 (VCV003389375.15).

ClinVar aggregate classification (germline): Likely benign. Review status: criteria provided, multiple submitters, no conflicts (2 of 4 stars). 2 submissions from 2 submitters: Likely benign (2). Last evaluated 2024-11-12.

gnomAD v4.1: 2 of 1,613,986 alleles (0.00012%); highest among the groups gnomAD compares: Middle Eastern, 0.033%; no homozygotes.

Submissions (2):

Blueprint Genetics
Classification: Likely benign. Last evaluated: 2024-11-12. Review status: criteria provided, single submitter. Criteria: ACMG Guidelines, 2015. Collection method: clinical testing. Allele origin: germline.

CeGaT Center for Human Genetics Tuebingen
Classification: Likely benign. Last evaluated: 2024-10-01. Review status: criteria provided, single submitter. Criteria: CeGaT Center For Human Genetics Tuebingen Variant Classification Criteria Version 2. Collection method: clinical testing. Allele origin: germline. Affected: yes. Observed: 1 variant allele.
Comment: ADGRV1: BP4, BP7